The following is an entry in ClinVar:

ClinVar aggregate classification (germline): Uncertain significance (1 of 4 stars; one submission).

Submission:

Labcorp Genetics (formerly Invitae), Labcorp
Classification: Uncertain significance. Last evaluated: 2022-08-24. Review status: criteria provided, single submitter. Criteria: Invitae Variant Classification Sherloc (09022015). Collection method: clinical testing. Allele origin: germline.
Comment: In summary, the available evidence is currently insufficient to determine the role of this variant in disease. Therefore, it has been classified as a Variant of Uncertain Significance. Algorithms developed to predict the effect of missense changes on protein structure and function (SIFT, PolyPhen-2, Align-GVGD) all suggest that this variant is likely to be disruptive. This variant has not been reported in the literature in individuals affected with NACC1-related conditions. This variant is not present in population databases (gnomAD no frequency). This sequence change replaces arginine, which is basic and polar, with tryptophan, which is neutral and slightly polar, at codon 337 of the NACC1 protein (p.Arg337Trp).

NM_052876.4(NACC1):c.1009C>T (p.Arg337Trp)

Gene: NACC1 (nucleus accumbens associated 1; plus strand). Cytogenetic location: 19p13.13.
Variant type: single nucleotide variant.
Coding change: c.1009C>T on transcript NM_052876.4 (MANE Select); coding-DNA position 1009, C replaced by T.
Protein change: p.Arg337Trp; replaces arginine 337 with tryptophan.
Molecular consequence: missense variant.
Genome position (GRCh38, 1-based): chr19:13,136,294, C>T. VCF-style: chr19-13136294-C-T. GRCh37 (hg19) VCF-style: chr19-13247108-C-T.
Other names: short protein forms R337W.
Identifiers: ClinVar variation 1944852 (VCV001944852.5), dbSNP rs2513136758, ClinGen allele CA404327310.